The following is an entry in ClinVar:

ClinVar aggregate classification (germline): Uncertain significance (1 of 4 stars; one submission).

Conditions:
Familial sleep-related hypermotor epilepsy. Also called: Autosomal Dominant Sleep-Related Hypermotor (Hyperkinetic) Epilepsy. Identifiers: Orphanet 98784, MedGen C3696898, MONDO:0000030.

Submission:

Labcorp Genetics (formerly Invitae), Labcorp
Classification: Uncertain significance. Last evaluated: 2025-08-08. Review status: criteria provided, single submitter. Criteria: Invitae Variant Classification Sherloc (09022015). Collection method: clinical testing. Allele origin: germline.
Comment: This sequence change creates a premature translational stop signal (p.Gly414Argfs*31) in the CHRNB2 gene. While this is not anticipated to result in nonsense mediated decay, it is expected to disrupt the last 89 amino acid(s) of the CHRNB2 protein. This variant is not present in population databases (gnomAD no frequency). This variant has not been reported in the literature in individuals affected with CHRNB2-related conditions. Experimental studies and prediction algorithms are not available or were not evaluated, and the functional significance of this variant is currently unknown. In summary, the available evidence is currently insufficient to determine the role of this variant in disease. Therefore, it has been classified as a Variant of Uncertain Significance.

NM_000748.3(CHRNB2):c.1235dup (p.Gly414fs)

Gene: CHRNB2 (cholinergic receptor nicotinic beta 2 subunit; plus strand). Cytogenetic location: 1q21.3.
Variant type: Duplication.
Coding change: c.1235dup on transcript NM_000748.3 (MANE Select); coding-DNA position 1235, one base duplicated (G; older notation c.1235dupG).
Protein change: p.Gly414fs; shifts the reading frame from glycine 414.
Molecular consequence: frameshift variant.
Genome position (GRCh38, 1-based): chr1:154,572,058, G duplicated; the last of 3 consecutive G bases (chr1:154,572,056-154,572,058); duplicating any one gives the same sequence. VCF-style (leftmost placement, unchanged base first): chr1-154572055-C-CG. GRCh37 (hg19) VCF-style: chr1-154544531-C-CG.
Other names: short protein forms G414fs.
Identifiers: ClinVar variation 4748723 (VCV004748723.1).